The following is an entry in ClinVar:

ClinVar aggregate classification (germline): Uncertain significance (1 of 4 stars; one submission).

Submission:

Labcorp Genetics (formerly Invitae), Labcorp
Classification: Uncertain significance. Last evaluated: 2022-07-20. Review status: criteria provided, single submitter. Criteria: Invitae Variant Classification Sherloc (09022015). Collection method: clinical testing. Allele origin: germline.
Comment: This variant, c.44_52dup, results in the insertion of 3 amino acid(s) of the PLOD3 protein (p.Pro15_Leu17dup), but otherwise preserves the integrity of the reading frame. This variant is not present in population databases (gnomAD no frequency). This variant has not been reported in the literature in individuals affected with PLOD3-related conditions. In summary, the available evidence is currently insufficient to determine the role of this variant in disease. Therefore, it has been classified as a Variant of Uncertain Significance.

NM_001084.5(PLOD3):c.44_52dup (p.Leu17_Leu18insProLeuLeu)

Gene: PLOD3 (procollagen-lysine,2-oxoglutarate 5-dioxygenase 3; minus strand). Cytogenetic location: 7q22.1.
Variant type: Duplication.
Coding change: c.44_52dup on transcript NM_001084.5 (MANE Select); coding-DNA positions 44 to 52, 9 bases duplicated (CGCTGCTGC; older notation c.44_52dupCGCTGCTGC).
Protein change: p.Leu17_Leu18insProLeuLeu.
Molecular consequence: inframe insertion.
Genome position (GRCh38, 1-based): chr7:101,217,223-101,217,231, GCAGCAGCG duplicated on the plus strand (CGCTGCTGC on the coding strand, the reverse complement: PLOD3 is on the minus strand); duplicating any 9 consecutive bases within chr7:101,217,223-101,217,239 gives the same sequence; the c. name uses the placement nearest the transcript's 3' end. VCF-style (leftmost placement, unchanged base first): chr7-101217222-A-AGCAGCAGCG. GRCh37 (hg19) VCF-style: chr7-100860503-A-AGCAGCAGCG.
Identifiers: ClinVar variation 1900670 (VCV001900670.2), dbSNP rs1198782086, ClinGen allele CA830571058.
Genomic context (GRCh38, chr7:101,217,222, plus strand): 5'-TCACCTGGGTTGACCGGGTCTCGGCCCCGGGGCCGGTCGGAGGCTGAGGCCGCAGGGGGC[A>AGCAGCAGCG]GCAGCAGCGGCAGCAGCAGCAGGAACCGGGGTCCAGGCCCCGAGGAGGTCATGGTGGGGA-3'